The following is an entry in ClinVar:

NM_000092.5(COL4A4):c.4725G>A (p.Ala1575=)

Gene: COL4A4 (collagen type IV alpha 4 chain; minus strand). Cytogenetic location: 2q36.3.
Variant type: single nucleotide variant.
Coding change: c.4725G>A on transcript NM_000092.5 (MANE Select); coding-DNA position 4725, G replaced by A.
Protein change: p.Ala1575=; no amino-acid change (alanine 1575 retained).
Molecular consequence: synonymous variant.
Genome position (GRCh38, 1-based): chr2:227,008,102, C>T on the plus strand (G>A on the coding strand, the complement: COL4A4 is on the minus strand). VCF-style: chr2-227008102-C-T. GRCh37 (hg19) VCF-style: chr2-227872818-C-T.
Identifiers: ClinVar variation 334701 (VCV000334701.15), dbSNP rs886055724, ClinGen allele CA10612646.

ClinVar aggregate classification (germline): Likely benign. Review status: criteria provided, single submitter (1 of 4 stars). 2 submissions from 2 submitters: Likely benign (1). 1 of the submissions does not count toward it. Last evaluated 2023-11-17.

Conditions:
COL4A4-related disorder.

Allele frequency attached by ClinVar (database versions not stated): TOPMed below 0.00001; gnomAD exomes 0.00001; gnomAD 0.00002.
gnomAD v4.1: 12 of 1,613,954 alleles (0.00074%); highest among the groups gnomAD compares: East Asian, 0.0022%; no homozygotes.

Submissions (2):

Labcorp Genetics (formerly Invitae), Labcorp
Classification: Likely benign. Last evaluated: 2023-11-17. Review status: criteria provided, single submitter. Criteria: Invitae Variant Classification Sherloc (09022015). Collection method: clinical testing. Allele origin: germline.

PreventionGenetics, part of Exact Sciences
Classification: Likely benign for COL4A4-related condition. Last evaluated: 2019-09-11. Review status: no assertion criteria provided. Collection method: clinical testing. Allele origin: germline. Not counted in ClinVar's aggregate classification.
Comment: This variant is classified as likely benign based on ACMG/AMP sequence variant interpretation guidelines (Richards et al. 2015 PMID: 25741868, with internal and published modifications).